The following is an entry in ClinVar:

ClinVar aggregate classification (germline): Uncertain significance (1 of 4 stars; one submission).

Conditions:
RSF1-related neurodevelopmental disorder.

Submission:

Equipe Genetique des Anomalies du Developpement, Université de Bourgogne
Classification: Uncertain significance for RSF1-related neurodevelopmental disorder. Last evaluated: 2025-11-10. Review status: criteria provided, single submitter. Criteria: ACMG Guidelines, 2015. Collection method: research. Allele origin: de novo. Affected: yes.
Comment: This is a heterozygous de novo nonsense variant NM_016578.4:c.4066A>T p.(Lys1356Ter) in the gene RSF1 (chr11:g.77667177T>A, GRCh38). This variant is predicted to introduce a premature stop codon and to result in loss of protein function. It is absent from the database gnomAD (v4.1.0). In silico prediction metrics support a deleterious effect (CADD-Phred: 38.00; MPA: 10). The RSF1 gene is predicted to be intolerant to haploinsufficiency (pLI: 1; pLOEUF: 0.15, gnomAD v4.1.0). According to current evidence, this variant is classified as a variant of uncertain significance (class 3, according to ACMG criteria).

NM_016578.4(RSF1):c.4066A>T (p.Lys1356Ter)

Gene: RSF1 (remodeling and spacing factor 1; minus strand). Cytogenetic location: 11q14.1.
Variant type: single nucleotide variant.
Coding change: c.4066A>T on transcript NM_016578.4 (MANE Select); coding-DNA position 4066, A replaced by T.
Protein change: p.Lys1356Ter; replaces lysine 1356 with a stop codon.
Molecular consequence: nonsense.
Genome position (GRCh38, 1-based): chr11:77,667,177, T>A on the plus strand (A>T on the coding strand, the complement: RSF1 is on the minus strand). VCF-style: chr11-77667177-T-A. GRCh37 (hg19) VCF-style: chr11-77378222-T-A.
Other names: short protein forms K1356*.
Identifiers: ClinVar variation 4528924 (VCV004528924.1).